The following is an entry in ClinVar:

ClinVar aggregate classification (germline): Uncertain significance. Review status: criteria provided, multiple submitters, no conflicts (2 of 4 stars). 3 submissions from 3 submitters: Uncertain significance (3). Last evaluated 2023-12-29.

Conditions:
Ehlers-Danlos syndrome, kyphoscoliotic type 1 (EDSKSCL1). Also called: EHLERS-DANLOS SYNDROME, OCULAR-SCOLIOTIC TYPE; Ehlers-Danlos syndrome, hydroxylysine-deficient; PLOD1-Related Kyphoscoliotic Ehlers-Danlos Syndrome; EHLERS-DANLOS SYNDROME, TYPE VIA. Identifiers: Orphanet 1900, MedGen C0268342, MONDO:0016002, OMIM 225400. Disease mechanism: loss of function.
Familial thoracic aortic aneurysm and aortic dissection (TAAD). Also called: Thoracic aortic aneurysms and dissections. Identifiers: Orphanet 91387, MedGen C4707243, MONDO:0019625.

Allele frequency attached by ClinVar (database versions not stated): ExAC 0.00001; gnomAD exomes 0.00001.
gnomAD v4.1: 17 of 1,600,084 alleles (0.0011%); highest among the groups gnomAD compares: Middle Eastern, 0.017%; no homozygotes.

Submissions (3):

Ambry Genetics
Classification: Uncertain significance for Familial thoracic aortic aneurysm and aortic dissection. Last evaluated: 2023-12-29. Review status: criteria provided, single submitter. Criteria: Ambry Variant Classification Scheme 2023. Collection method: clinical testing. Allele origin: germline.
Comment: The c.741+4G>C intronic variant results from a G to C substitution 4 nucleotides after coding exon 7 in the PLOD1 gene. This nucleotide position is well conserved in available vertebrate species. In silico splice site analysis predicts that this alteration will not have any significant effect on splicing. Since supporting evidence is limited at this time, the clinical significance of this alteration remains unclear.

Women's Health and Genetics/Laboratory Corporation of America, LabCorp
Classification: Uncertain significance. Last evaluated: 2023-08-24. Review status: criteria provided, single submitter. Criteria: LabCorp Variant Classification Summary - May 2015. Collection method: clinical testing. Allele origin: germline.

Labcorp Genetics (formerly Invitae), Labcorp
Classification: Uncertain significance for Ehlers-Danlos syndrome, kyphoscoliotic type 1. Last evaluated: 2021-09-01. Review status: criteria provided, single submitter. Criteria: Invitae Variant Classification Sherloc (09022015). Collection method: clinical testing. Allele origin: germline.
Comment: This sequence change falls in intron 7 of the PLOD1 gene. It does not directly change the encoded amino acid sequence of the PLOD1 protein. It affects a nucleotide within the consensus splice site of the intron. This variant is present in population databases (rs763641520, ExAC no frequency). This variant has not been reported in the literature in individuals affected with PLOD1-related conditions. ClinVar contains an entry for this variant (Variation ID: 520123). Variants that disrupt the consensus splice site are a relatively common cause of aberrant splicing (PMID: 17576681, 9536098). Algorithms developed to predict the effect of sequence changes on RNA splicing suggest that this variant is not likely to affect RNA splicing. In summary, the available evidence is currently insufficient to determine the role of this variant in disease. Therefore, it has been classified as a Variant of Uncertain Significance.

Literature cited by the submitters: PubMed 17576681 (cited by Labcorp Genetics (formerly Invitae), Labcorp); PubMed 9536098 (cited by Labcorp Genetics (formerly Invitae), Labcorp).

NM_000302.4(PLOD1):c.741+4G>C

Gene: PLOD1 (procollagen-lysine,2-oxoglutarate 5-dioxygenase 1; plus strand). Cytogenetic location: 1p36.22.
Variant type: single nucleotide variant.
Coding change: c.741+4G>C on transcript NM_000302.4 (MANE Select); 4 bases into the intron after coding-DNA position 741, G replaced by C.
Molecular consequence: intron variant.
Genome position (GRCh38, 1-based): chr1:11,957,018, G>C. VCF-style: chr1-11957018-G-C. GRCh37 (hg19) VCF-style: chr1-12017075-G-C.
Other names: c.882+4G>C (NM_001316320.2).
Identifiers: ClinVar variation 520123 (VCV000520123.12), dbSNP rs763641520, ClinGen allele CA598065.